The following is an entry in ClinVar:

ClinVar aggregate classification (germline): Likely pathogenic. Review status: criteria provided, multiple submitters, no conflicts (2 of 4 stars). 2 submissions from 2 submitters: Likely pathogenic (2). Last evaluated 2025-05-22.

Conditions:
Hereditary cancer-predisposing syndrome. Also called: Hereditary Cancer Syndrome; Neoplastic Syndromes, Hereditary; Tumor predisposition; Hereditary neoplastic syndrome. Identifiers: Orphanet 140162, MedGen C0027672, MeSH D009386, MONDO:0015356.

Submissions (2):

Ambry Genetics
Classification: Likely pathogenic for Hereditary cancer-predisposing syndrome. Last evaluated: 2025-05-22. Review status: criteria provided, single submitter. Criteria: Ambry Variant Classification Scheme 2023. Collection method: clinical testing. Allele origin: germline.
Comment: The p.Q214H variant (also known as c.642G>T), located in coding exon 6 of the SDHB gene, results from a G to T substitution at nucleotide position 642. The glutamine at codon 214 is replaced by histidine, an amino acid with highly similar properties. However, this change occurs in the last base pair of coding exon 6, which makes it likely to have some effect on normal mRNA splicing. This variant was reported in individual(s) with features consistent with SDHB-related hereditary pheochromocytoma-paraganglioma (Ambry internal data; Kim JH et al. J Med Genet, 2022 Jan;59:56-64). This variant is considered to be rare based on population cohorts in the Genome Aggregation Database (gnomAD). This nucleotide position is highly conserved in available vertebrate species. This amino acid position is highly conserved in available vertebrate species. In silico splice site analysis predicts that this alteration will weaken the native splice donor site. In addition, as a missense substitution this is predicted to be deleterious by in silico analysis. Based on the majority of available evidence to date, this variant is likely to be pathogenic.

GeneDx
Classification: Likely pathogenic. Last evaluated: 2022-08-04. Review status: criteria provided, single submitter. Criteria: GeneDx Variant Classification Process June 2021. Collection method: clinical testing. Allele origin: germline. Affected: yes.
Comment: Has not been previously published as pathogenic or benign to our knowledge; Located at the last nucleotide of the exon in a gene for which loss-of-function is a known mechanism of disease, and both splice predictors and evolutionary conservation support a deleterious effect, although the actual effect of this sequence change on splicing is unknown in the absence of functional studies; In silico analysis supports that this missense variant has a deleterious effect on protein structure/function; Not observed at significant frequency in large population cohorts (gnomAD)

Literature cited by the submitters: PubMed 16912137 (cited by Ambry Genetics); PubMed 26273102 (cited by Ambry Genetics); PubMed 28374168 (cited by Ambry Genetics); PubMed 33219105 (cited by Ambry Genetics).

NM_003000.3(SDHB):c.642G>T (p.Gln214His)

Gene: SDHB (succinate dehydrogenase complex iron sulfur subunit B; minus strand). Cytogenetic location: 1p36.13.
Variant type: single nucleotide variant.
Coding change: c.642G>T on transcript NM_003000.3 (MANE Select); coding-DNA position 642, G replaced by T.
Protein change: p.Gln214His; replaces glutamine 214 with histidine.
Molecular consequence: missense variant.
Genome position (GRCh38, 1-based): chr1:17,023,973, C>A on the plus strand (G>T on the coding strand, the complement: SDHB is on the minus strand). VCF-style: chr1-17023973-C-A. GRCh37 (hg19) VCF-style: chr1-17350468-C-A.
Other names: short protein forms Q214H.
Identifiers: ClinVar variation 480788 (VCV000480788.7), dbSNP rs1278834014, ClinGen allele CA338270923.